The following is an entry in ClinVar:

NM_016441.3(CRIM1):c.2747-8T>C

Gene: CRIM1 (cysteine rich transmembrane BMP regulator 1). Cytogenetic location: 2p22.2.
Variant type: single nucleotide variant.
Coding change: c.2747-8T>C on transcript NM_016441.3 (MANE Select); 8 bases into the intron before coding-DNA position 2747, T replaced by C.
Molecular consequence: intron variant.
Genome position (GRCh38, 1-based): chr2:36,546,976, T>C. VCF-style: chr2-36546976-T-C. GRCh37 (hg19) VCF-style: chr2-36774119-T-C.
Identifiers: ClinVar variation 3053471 (VCV003053471.22), dbSNP rs186746241, ClinGen allele CA1610643.

ClinVar aggregate classification (germline): Likely benign. Review status: criteria provided, single submitter (1 of 4 stars). 2 submissions from 2 submitters: Likely benign (1). 1 of the submissions does not count toward it. Last evaluated 2024-03-01.

Conditions:
CRIM1-related disorder. Also called: CRIM1-related condition.

Allele frequency attached by ClinVar (database versions not stated): 1000 Genomes Project 30x 0.00016; 1000 Genomes Project 0.00020; TOPMed 0.00032; gnomAD 0.00045; gnomAD exomes 0.00062; ExAC 0.00063.
gnomAD v4.1: 895 of 1,531,178 alleles (0.058%); highest among the groups gnomAD compares: Non-Finnish European, 0.07%; 2 homozygotes.

Submissions (2):

CeGaT Center for Human Genetics Tuebingen
Classification: Likely benign. Last evaluated: 2024-03-01. Review status: criteria provided, single submitter. Criteria: CeGaT Center For Human Genetics Tuebingen Variant Classification Criteria Version 2. Collection method: clinical testing. Allele origin: germline. Affected: yes. Observed: 1 variant allele.
Comment: CRIM1: BP4

PreventionGenetics, part of Exact Sciences
Classification: Likely benign for CRIM1-related condition. Last evaluated: 2020-01-13. Review status: no assertion criteria provided. Collection method: clinical testing. Allele origin: germline. Not counted in ClinVar's aggregate classification.
Comment: This variant is classified as likely benign based on ACMG/AMP sequence variant interpretation guidelines (Richards et al. 2015 PMID: 25741868, with internal and published modifications).